The following is an entry in ClinVar:

NM_000631.5(NCF4):c.485C>T (p.Pro162Leu)

Gene: NCF4 (neutrophil cytosolic factor 4; plus strand). Cytogenetic location: 22q12.3.
Variant type: single nucleotide variant.
Coding change: c.485C>T on transcript NM_000631.5 (MANE Select); coding-DNA position 485, C replaced by T.
Protein change: p.Pro162Leu; replaces proline 162 with leucine.
Molecular consequence: missense variant.
Genome position (GRCh38, 1-based): chr22:36,871,666, C>T. VCF-style: chr22-36871666-C-T. GRCh37 (hg19) VCF-style: chr22-37267708-C-T.
Other names: c.485C>T, p.Pro162Leu (NM_013416.4); short protein forms P162L.
Identifiers: ClinVar variation 1000083 (VCV001000083.4), dbSNP rs1940057945, ClinGen allele CA411384956.
Genomic context (GRCh38, chr22:36,871,666, plus strand): 5'-CCTGAGAGAATCACAGGGCTAACAAGCCCCTCTTCTCTCTCCACAGCAAGAGCGTGTCCC[C>T]ACAGGGCAACAGCGTTGACCGCATGGCAGCTCCGAGAGCAGAGGTAACCCCCGCCCCCAC-3'
Protein context (NP_000622.2, residues 152-172): PRTRKVKSVS[Pro162Leu]QGNSVDRMAA

ClinVar aggregate classification (germline): Uncertain significance (1 of 4 stars; one submission).

Conditions:
Granulomatous disease, chronic, autosomal recessive, cytochrome b-positive, type 3. Also called: GRANULOMATOUS DISEASE, CHRONIC, DUE TO NCF4 DEFICIENCY; GRANULOMATOUS DISEASE, CHRONIC, AUTOSOMAL RECESSIVE, 3; CGD, AUTOSOMAL RECESSIVE CYTOCHROME b-POSITIVE, TYPE III; Granulomatous disease, chronic, autosomal recessive, cytochrome b-positive, type III. Identifiers: Orphanet 379, MedGen C3151409, MONDO:0013507, OMIM 613960.

Allele frequency attached by ClinVar (database versions not stated): gnomAD exomes below 0.00001.

Submission:

Labcorp Genetics (formerly Invitae), Labcorp
Classification: Uncertain significance for Granulomatous disease, chronic, autosomal recessive, cytochrome b-positive, type 3. Last evaluated: 2022-07-12. Review status: criteria provided, single submitter. Criteria: Invitae Variant Classification Sherloc (09022015). Collection method: clinical testing. Allele origin: germline.
Comment: This sequence change replaces proline, which is neutral and non-polar, with leucine, which is neutral and non-polar, at codon 162 of the NCF4 protein (p.Pro162Leu). This variant is not present in population databases (gnomAD no frequency). This variant has not been reported in the literature in individuals affected with NCF4-related conditions. ClinVar contains an entry for this variant (Variation ID: 1000083). Algorithms developed to predict the effect of missense changes on protein structure and function are either unavailable or do not agree on the potential impact of this missense change (SIFT: "Deleterious"; PolyPhen-2: "Benign"; Align-GVGD: "Class C0"). In summary, the available evidence is currently insufficient to determine the role of this variant in disease. Therefore, it has been classified as a Variant of Uncertain Significance.